The following is an entry in ClinVar:

ClinVar aggregate classification (germline): Benign/Likely benign. Review status: criteria provided, multiple submitters, no conflicts (2 of 4 stars). 14 submissions from 14 submitters: Benign (8); Likely benign (1). 5 of the submissions do not count toward it. Last evaluated 2026-02-04.

Conditions:
Cardiovascular phenotype. Identifiers: MedGen CN230736.
Cardiomyopathy (CMYO). Also called: Cardiomyopathies. Identifiers: Orphanet 167848, MedGen C0878544, MONDO:0004994, HP:0001638. Inheritance: Various modes of inheritance.
Dilated cardiomyopathy 1DD (CMD1DD). Identifiers: Orphanet 154, MedGen C2750995, MONDO:0013168, OMIM 613172.

Allele frequency attached by ClinVar (database versions not stated): ESP Exome Variant Server 0.00066; gnomAD 0.00107 and 0.00296; TOPMed 0.00214; gnomAD exomes 0.00343 and 0.00928; 1000 Genomes Project 0.01757; 1000 Genomes Project 30x 0.01780; ExAC 0.01902.
gnomAD v4.1: 5,407 of 1,551,720 alleles (0.35%); highest among the groups gnomAD compares: South Asian, 4.8%; 147 homozygotes.

Submissions (14):

Labcorp Genetics (formerly Invitae), Labcorp
Classification: Benign for Dilated cardiomyopathy 1DD. Last evaluated: 2026-02-04. Review status: criteria provided, single submitter. Criteria: Invitae Variant Classification Sherloc (09022015). Collection method: clinical testing. Allele origin: germline.

ARUP Laboratories, Molecular Genetics and Genomics, ARUP Laboratories
Classification: Benign for Dilated cardiomyopathy 1DD. Last evaluated: 2025-04-03. Review status: criteria provided, single submitter. Criteria: ARUP Molecular Germline Variant Investigation Process 2024. Collection method: clinical testing. Allele origin: germline.

Blueprint Genetics
Classification: Benign. Last evaluated: 2024-11-27. Review status: criteria provided, single submitter. Criteria: ACMG Guidelines, 2015. Collection method: clinical testing. Allele origin: germline.

Illumina Laboratory Services, Illumina
Classification: Likely benign for Dilated cardiomyopathy 1DD. Last evaluated: 2018-01-12. Review status: criteria provided, single submitter. Criteria: ICSL Variant Classification Criteria 13 December 2019. Collection method: clinical testing. Allele origin: germline.
Comment: This variant was observed in the ICSL laboratory as part of a predisposition screen in an ostensibly healthy population. It had not been previously curated by ICSL or reported in the Human Gene Mutation Database (HGMD: prior to June 1st, 2018), and was therefore a candidate for classification through an automated scoring system. Utilizing variant allele frequency, disease prevalence and penetrance estimates, and inheritance mode, an automated score was calculated to assess if this variant is too frequent to cause the disease. Based on the score and internal cut-off values, a variant classified as likely benign is not then subjected to further curation. The score for this variant resulted in a classification of likely benign for this disease.

CHEO Genetics Diagnostic Laboratory, Children's Hospital of Eastern Ontario
Classification: Benign for Cardiomyopathy. Last evaluated: 2016-02-26. Review status: criteria provided, single submitter. Criteria: ACMG Guidelines, 2015. Collection method: clinical testing. Allele origin: germline. Study: Canadian Open Genetics Repository.

Ambry Genetics
Classification: Benign for Cardiovascular phenotype. Last evaluated: 2015-09-04. Review status: criteria provided, single submitter. Criteria: Ambry Variant Classification Scheme 2023. Collection method: clinical testing. Allele origin: germline.

Eurofins Ntd Llc (ga)
Classification: Benign. Last evaluated: 2015-03-24. Review status: criteria provided, single submitter. Criteria: EGL Classification Definitions 2015. Collection method: clinical testing. Allele origin: germline. Observed: 1 variant allele, 1 heterozygote.

Laboratory for Molecular Medicine, Mass General Brigham Personalized Medicine
Classification: Benign. Last evaluated: 2014-12-31. Review status: criteria provided, single submitter. Criteria: LMM Criteria. Collection method: clinical testing. Allele origin: germline. Observed: 14 variant alleles.
Comment: p.Arg1057Gln in exon 11 of RBM20: This variant is not expected to have clinical significance because it has been identified in 4.8% (381/7990) of South Asian ch romosomes by the by the Exome Aggregation Consortium (ExAC; dbSNP rs188054898). In addition, this variant is not conserved acros s species, including mammals. Of note, >10 mammals a glutamine (Gln) at this pos ition despite high nearby amino acid conservation.

GeneDx
Classification: Benign. Last evaluated: 2014-03-24. Review status: criteria provided, single submitter. Criteria: GeneDx Variant Classification (06012015). Collection method: clinical testing. Allele origin: germline. Affected: yes.
Comment: This variant is considered likely benign or benign based on one or more of the following criteria: it is a conservative change, it occurs at a poorly conserved position in the protein, it is predicted to be benign by multiple in silico algorithms, and/or has population frequency not consistent with disease.

Clinical Genetics DNA and cytogenetics Diagnostics Lab, Erasmus MC, Erasmus Medical Center
Classification: Likely benign. Review status: no assertion criteria provided. Collection method: clinical testing. Allele origin: germline. Affected: yes. Study: VKGL Data-share Consensus. Not counted in ClinVar's aggregate classification.

Clinical Genetics, Academic Medical Center
Classification: Benign. Review status: no assertion criteria provided. Collection method: clinical testing. Allele origin: germline. Affected: yes. Study: VKGL Data-share Consensus. Not counted in ClinVar's aggregate classification.

Diagnostic Laboratory, Department of Genetics, University Medical Center Groningen
Classification: Likely benign for Dilated cardiomyopathy 1DD. Review status: no assertion criteria provided. Collection method: clinical testing. Allele origin: germline. Affected: yes. Study: VKGL Data-share Consensus. Not counted in ClinVar's aggregate classification.

Genome Diagnostics Laboratory, University Medical Center Utrecht
Classification: Likely benign. Review status: no assertion criteria provided. Collection method: clinical testing. Allele origin: germline. Affected: yes. Study: VKGL Data-share Consensus. Not counted in ClinVar's aggregate classification.

Joint Genome Diagnostic Labs from Nijmegen and Maastricht, Radboudumc and MUMC+
Classification: Benign. Review status: no assertion criteria provided. Collection method: clinical testing. Allele origin: germline. Affected: yes. Study: VKGL Data-share Consensus. Not counted in ClinVar's aggregate classification.

NM_001134363.3(RBM20):c.3170G>A (p.Arg1057Gln)

Gene: RBM20 (RNA binding motif protein 20; plus strand). Cytogenetic location: 10q25.2.
Variant type: single nucleotide variant.
Coding change: c.3170G>A on transcript NM_001134363.3 (MANE Select); coding-DNA position 3170, G replaced by A.
Protein change: p.Arg1057Gln; replaces arginine 1057 with glutamine.
Molecular consequence: missense variant.
Genome position (GRCh38, 1-based): chr10:110,821,789, G>A. VCF-style: chr10-110821789-G-A. GRCh37 (hg19) VCF-style: chr10-112581547-G-A.
Other names: p.R1057Q:CGG>CAG; short protein forms R1057Q.
Identifiers: ClinVar variation 44004 (VCV000044004.34), dbSNP rs188054898, ClinGen allele CA133356.